The following is an entry in ClinVar:

ClinVar aggregate classification (germline): Pathogenic (3 of 4 stars; one submission).

Conditions:
Glanzmann thrombasthenia. Also called: PLATELET GLYCOPROTEIN IIb-IIIa DEFICIENCY; BLEEDING DISORDER, PLATELET-TYPE, 2; THROMBASTHENIA OF GLANZMANN AND NAEGELI; Thrombasthenia; Glanzmann's thrombasthenia. Identifiers: Orphanet 849, MedGen C0040015, MONDO:0100326.

Submission:

ClinGen Platelet Disorders Variant Curation Expert Panel, ClinGen
Classification: Pathogenic for Glanzmann thrombasthenia. Last evaluated: 2022-11-15. Review status: reviewed by expert panel. Criteria: ClinGen Platelet ACMG Specifications v2-1. Collection method: curation. Allele origin: germline. Inheritance: Autosomal recessive inheritance.
Comment: NM_000212.3(ITGB3):c.1525C>T (p.Gln509Ter) found in a compound heterozygous proband PMID:28748566) causes a premature stop codon at exon 10 and is predicted to undergo nonsense mediated decay (PVS1). The variant was not found in gnomAD v2.1.1 (PM2_supporting). The variant has been reported as compound heterozygous with pathogenic variant,(NM_000212.3(ITGB3):c.567del (p.Tyr190ThrfsTer17), phase unknown (PM3_supporting). In summary, this variant meets the criteria to be classified as pathogenic for autosomal recessive Glanzmann Thrombasthenia based on the ACMG/AMP criteria applied, as specified by the ClinGen PD VCEP: PVS1, PM2_supporting, PM3_supporting.

NM_000212.3(ITGB3):c.1525C>T (p.Gln509Ter)

Gene: ITGB3 (integrin subunit beta 3; plus strand). Cytogenetic location: 17q21.32.
Variant type: single nucleotide variant.
Coding change: c.1525C>T on transcript NM_000212.3 (MANE Select); coding-DNA position 1525, C replaced by T.
Protein change: p.Gln509Ter; replaces glutamine 509 with a stop codon.
Molecular consequence: nonsense.
Genome position (GRCh38, 1-based): chr17:47,292,403, C>T. VCF-style: chr17-47292403-C-T. GRCh37 (hg19) VCF-style: chr17-45369769-C-T.
Other names: NM_000212.3:c.1525C>T; short protein forms Q509*.
Identifiers: ClinVar variation 1879017 (VCV001879017.1), dbSNP rs2143113586, ClinGen allele CA400029664.